The following is an entry in ClinVar:

ClinVar aggregate classification (germline): Uncertain significance (1 of 4 stars; one submission).

Submission:

GeneDx
Classification: Uncertain significance. Last evaluated: 2024-02-07. Review status: criteria provided, single submitter. Criteria: GeneDx Variant Classification Process June 2021. Collection method: clinical testing. Allele origin: germline. Affected: yes.
Comment: Not observed at significant frequency in large population cohorts (gnomAD); In silico analysis supports that this missense variant has a deleterious effect on protein structure/function; Has not been previously published as pathogenic or benign to our knowledge

NM_004539.4(NARS1):c.1477G>A (p.Gly493Arg)

Gene: NARS1 (asparaginyl-tRNA synthetase 1; minus strand). Cytogenetic location: 18q21.31.
Variant type: single nucleotide variant.
Coding change: c.1477G>A on transcript NM_004539.4 (MANE Select); coding-DNA position 1477, G replaced by A.
Protein change: p.Gly493Arg; replaces glycine 493 with arginine.
Molecular consequence: missense variant.
Genome position (GRCh38, 1-based): chr18:57,602,393, C>T on the plus strand (G>A on the coding strand, the complement: NARS1 is on the minus strand). VCF-style: chr18-57602393-C-T. GRCh37 (hg19) VCF-style: chr18-55269625-C-T.
Other names: short protein forms G493R.
Identifiers: ClinVar variation 3368592 (VCV003368592.1).
Genomic context (GRCh38, chr18:57,602,393, plus strand): 5'-GTACTTAAAAAATTGGTTTTACCTGATCCGTATACCAGTAATAGGGAGTGGGGTCAATCC[C>T]TTCCCTTTTATAACCTGCCAGTATTTCTTCACTATCAAAGATACGCATTGAGCCTCCCAC-3'
Protein context (NP_004530.1, residues 483-503): EEILAGYKRE[Gly493Arg]IDPTPYYWYT